The following is an entry in ClinVar:

NM_004415.4(DSP):c.668G>A (p.Gly223Asp)

Gene: DSP (desmoplakin; plus strand). Cytogenetic location: 6p24.3.
Variant type: single nucleotide variant.
Coding change: c.668G>A on transcript NM_004415.4 (MANE Select); coding-DNA position 668, G replaced by A.
Protein change: p.Gly223Asp; replaces glycine 223 with aspartic acid.
Molecular consequence: missense variant.
Genome position (GRCh38, 1-based): chr6:7,562,722, G>A. VCF-style: chr6-7562722-G-A. GRCh37 (hg19) VCF-style: chr6-7562955-G-A.
Other names: c.668G>A, p.Gly223Asp (NM_001008844.3, NM_001319034.2); c.668G>A (LRG_423t1); short protein forms G223D.
Identifiers: ClinVar variation 660531 (VCV000660531.22), dbSNP rs199509943, ClinGen allele CA048240.

ClinVar aggregate classification (germline): Conflicting classifications of pathogenicity. Review status: criteria provided, conflicting classifications (1 of 4 stars). 5 submissions from 5 submitters: Uncertain significance (4); Likely benign (1). Last evaluated 2025-12-16.

Conditions:
Arrhythmogenic cardiomyopathy with wooly hair and keratoderma. Also called: Arrhythmogenic cardiomyopathy with woolly hair and keratoderma; Carvajal syndrome; Dilated cardiomyopathy with woolly hair and keratoderma; PALMOPLANTAR KERATODERMA WITH LEFT VENTRICULAR CARDIOMYOPATHY AND WOOLLY HAIR. Identifiers: Orphanet 65282, MedGen C1854063, MONDO:0011581, OMIM 605676.
Arrhythmogenic right ventricular dysplasia 8 (ARVD8). Also called: ARRHYTHMOGENIC RIGHT VENTRICULAR DYSPLASIA, FAMILIAL, 8; ARRHYTHMOGENIC RIGHT VENTRICULAR CARDIOMYOPATHY 8; Arrhythmogenic Right Ventricular Dysplasia/Cardiomyopathy 8. Identifiers: MedGen C1843896, MONDO:0011831, OMIM 607450.
Cardiovascular phenotype. Identifiers: MedGen CN230736.
Cardiomyopathy (CMYO). Also called: Cardiomyopathies. Identifiers: Orphanet 167848, MedGen C0878544, MONDO:0004994, HP:0001638. Inheritance: Various modes of inheritance.

Allele frequency attached by ClinVar (database versions not stated): gnomAD exomes 0.00002; TOPMed 0.00002; gnomAD 0.00003 and 0.00002; 1000 Genomes Project 30x 0.00016; 1000 Genomes Project 0.00020; ExAC 0.00002.
gnomAD v4.1: 34 of 1,614,082 alleles (0.0021%); highest among the groups gnomAD compares: Non-Finnish European, 0.0028%; no homozygotes.

Submissions (5):

Ambry Genetics
Classification: Uncertain significance for Cardiovascular phenotype. Last evaluated: 2025-12-16. Review status: criteria provided, single submitter. Criteria: Ambry Variant Classification Scheme 2023. Collection method: clinical testing. Allele origin: germline.
Comment: The p.G223D variant (also known as c.668G>A), located in coding exon 5 of the DSP gene, results from a G to A substitution at nucleotide position 668. The glycine at codon 223 is replaced by aspartic acid, an amino acid with similar properties. This amino acid position is conserved. In addition, this alteration is predicted to be tolerated by in silico analysis. Since supporting evidence is limited at this time, the clinical significance of this alteration remains unclear.

Labcorp Genetics (formerly Invitae), Labcorp
Classification: Likely benign for Arrhythmogenic cardiomyopathy with wooly hair and keratoderma; Arrhythmogenic right ventricular dysplasia 8. Last evaluated: 2025-12-13. Review status: criteria provided, single submitter. Criteria: Invitae Variant Classification Sherloc (09022015). Collection method: clinical testing. Allele origin: germline.

All of Us Research Program, National Institutes of Health
Classification: Uncertain significance for Arrhythmogenic cardiomyopathy with wooly hair and keratoderma. Last evaluated: 2024-05-14. Review status: criteria provided, single submitter. Criteria: ACMG Guidelines, 2015. Collection method: clinical testing. Allele origin: germline. Inheritance: Autosomal dominant inheritance. Observed: 5 variant alleles, 5 heterozygotes.
Comment: This missense variant replaces glycine with aspartic acid at codon 223 of the DSP protein. Computational prediction suggests that this variant may not impact protein structure and function (internally defined REVEL score threshold <= 0.5, PMID: 27666373). To our knowledge, functional studies have not been reported for this variant. This variant has not been reported in individuals affected with cardiovascular disorders in the literature. This variant has been identified in 4/251250 chromosomes in the general population by the Genome Aggregation Database (gnomAD). The available evidence is insufficient to determine the role of this variant in disease conclusively. Therefore, this variant is classified as a Variant of Uncertain Significance.

This study involves interpretation of variants in research participants for the purpose of population health screening. Participant phenotype was not available at the time of variant classification. Additional details can be found in publication PMID: 35346344, PMCID: PMC8962531

Color Diagnostics, LLC DBA Color Health
Classification: Uncertain significance for Cardiomyopathy. Last evaluated: 2024-03-06. Review status: criteria provided, single submitter. Criteria: ACMG Guidelines, 2015. Collection method: clinical testing. Allele origin: germline.
Comment: This missense variant replaces glycine with aspartic acid at codon 223 of the DSP protein. Computational prediction suggests that this variant may not impact protein structure and function (internally defined REVEL score threshold <= 0.5, PMID: 27666373). To our knowledge, functional studies have not been reported for this variant. This variant has not been reported in individuals affected with cardiovascular disorders in the literature. This variant has been identified in 4/251250 chromosomes in the general population by the Genome Aggregation Database (gnomAD). The available evidence is insufficient to determine the role of this variant in disease conclusively. Therefore, this variant is classified as a Variant of Uncertain Significance.

GeneDx
Classification: Uncertain significance. Last evaluated: 2020-12-28. Review status: criteria provided, single submitter. Criteria: GeneDx Variant Classification Process June 2021. Collection method: clinical testing. Allele origin: germline. Affected: yes.
Comment: Has not been previously published as pathogenic or benign to our knowledge; Not observed at a significant frequency in large population cohorts (Lek et al., 2016); In silico analysis supports that this missense variant has a deleterious effect on protein structure/function; Reported in ClinVar as a variant of uncertain significance (ClinVar Variant ID# 660531; Landrum et al., 2016)